The following is an entry in ClinVar:

NM_020631.6(PLEKHG5):c.288G>C (p.Lys96Asn)

Gene: PLEKHG5 (pleckstrin homology and RhoGEF domain containing G5; minus strand). Cytogenetic location: 1p36.31.
Variant type: single nucleotide variant.
Coding change: c.288G>C on transcript NM_020631.6 (MANE Select); coding-DNA position 288, G replaced by C.
Protein change: p.Lys96Asn; replaces lysine 96 with asparagine.
Molecular consequence: missense variant.
Genome position (GRCh38, 1-based): chr1:6,475,061, C>G on the plus strand (G>C on the coding strand, the complement: PLEKHG5 is on the minus strand). VCF-style: chr1-6475061-C-G. GRCh37 (hg19) VCF-style: chr1-6535121-C-G.
Other names: c.399G>C, p.Lys133Asn (NM_001042663.3, NM_001265592.2); c.288G>C, p.Lys96Asn (NM_001042664.2, NM_001042665.2, NM_001265594.3 and 1 more transcripts); c.495G>C, p.Lys165Asn (NM_001265593.2); short protein forms K133N, K165N, K96N.
Identifiers: ClinVar variation 3364094 (VCV003364094.1).

ClinVar aggregate classification (germline): Uncertain significance (1 of 4 stars; one submission).

Submission:

GeneDx
Classification: Uncertain significance. Last evaluated: 2023-11-13. Review status: criteria provided, single submitter. Criteria: GeneDx Variant Classification Process June 2021. Collection method: clinical testing. Allele origin: germline. Affected: yes.
Comment: Not observed at significant frequency in large population cohorts (gnomAD); In silico analysis supports that this missense variant has a deleterious effect on protein structure/function; Has not been previously published as pathogenic or benign to our knowledge